The following is an entry in ClinVar:

NM_001365276.2(TNXB):c.4073G>A (p.Ser1358Asn)

Gene: TNXB (tenascin XB; minus strand). Cytogenetic location: 6p21.33.
Variant type: single nucleotide variant.
Coding change: c.4073G>A on transcript NM_001365276.2 (MANE Select); coding-DNA position 4073, G replaced by A.
Protein change: p.Ser1358Asn; replaces serine 1358 with asparagine.
Molecular consequence: missense variant.
Genome position (GRCh38, 1-based): chr6:32,079,335, C>T on the plus strand (G>A on the coding strand, the complement: TNXB is on the minus strand). VCF-style: chr6-32079335-C-T. GRCh37 (hg19) VCF-style: chr6-32047112-C-T.
Other names: c.4814G>A, p.Ser1605Asn (NM_001428335.1); c.4073G>A, p.Ser1358Asn (NM_019105.8); short protein forms S1358N, S1605N.
Identifiers: ClinVar variation 3227275 (VCV003227275.2), dbSNP rs771514610, ClinGen allele CA3735039.

ClinVar aggregate classification (germline): Uncertain significance. Review status: criteria provided, multiple submitters, no conflicts (2 of 4 stars). 2 submissions from 2 submitters: Uncertain significance (2). Last evaluated 2024-05-16.

Conditions:
Vesicoureteral reflux 8 (VUR8). Identifiers: Orphanet 289365, MedGen C4014831, MONDO:0014422, OMIM 615963.
Ehlers-Danlos syndrome due to tenascin-X deficiency (EDSCLL1). Also called: EDS DUE TO TNX DEFICIENCY; TNX DEFICIENCY; Ehlers-Danlos syndrome, classic-like, 1; EHLERS-DANLOS SYNDROME, CLASSIC-LIKE; TNXB-Related Classical-Like Ehlers-Danlos Syndrome. Identifiers: Orphanet 230839, MedGen C1848029, MONDO:0011670, OMIM 606408.
Cardiovascular phenotype. Identifiers: MedGen CN230736.

Allele frequency attached by ClinVar (database versions not stated): gnomAD exomes below 0.00001; ExAC 0.00001.
gnomAD v4.1: 3 of 1,610,550 alleles (0.00019%); highest among the groups gnomAD compares: Non-Finnish European, 0.00025%; no homozygotes.

Submissions (2):

Fulgent Genetics
Classification: Uncertain significance for Ehlers-Danlos syndrome due to tenascin-X deficiency; Vesicoureteral reflux 8. Last evaluated: 2024-05-16. Review status: criteria provided, single submitter. Criteria: ACMG Guidelines, 2015. Collection method: clinical testing. Allele origin: germline.

Ambry Genetics
Classification: Uncertain significance for Cardiovascular phenotype. Last evaluated: 2023-09-24. Review status: criteria provided, single submitter. Criteria: Ambry Variant Classification Scheme 2023. Collection method: clinical testing. Allele origin: germline.
Comment: The p.S1358N variant (also known as c.4073G>A), located in coding exon 10 of the TNXB gene, results from a G to A substitution at nucleotide position 4073. The serine at codon 1358 is replaced by asparagine, an amino acid with highly similar properties. This amino acid position is conserved. In addition, this alteration is predicted to be tolerated by in silico analysis. Since supporting evidence is limited at this time, the clinical significance of this alteration remains unclear.